The following is an entry in ClinVar:

NM_001943.5(DSG2):c.2759T>G (p.Val920Gly)

Genes: DSG2 (desmoglein 2; plus strand), DSG2-AS1 (DSG2 antisense RNA 1; minus strand). Cytogenetic location: 18q12.1.
Variant type: single nucleotide variant.
Coding change: c.2759T>G on transcript NM_001943.5 (MANE Select); coding-DNA position 2759, T replaced by G.
Protein change: p.Val920Gly; replaces valine 920 with glycine.
Molecular consequence: missense variant.
Genome position (GRCh38, 1-based): chr18:31,546,145, T>G. VCF-style: chr18-31546145-T-G. GRCh37 (hg19) VCF-style: chr18-29126108-T-G.
Other names: p.V920G:GTA>GGA; short protein forms V920G.
Identifiers: ClinVar variation 44307 (VCV000044307.80), dbSNP rs142841727, ClinGen allele CA021897.

ClinVar aggregate classification (germline): Conflicting classifications of pathogenicity. Review status: criteria provided, conflicting classifications (1 of 4 stars). 24 submissions from 24 submitters: Uncertain significance (1); Benign (12); Likely benign (5). 6 of the submissions do not count toward it. Last evaluated 2026-09-01.

Conditions:
DSG2-related disorder. Also called: DSG2-related condition.
Cardiovascular phenotype. Identifiers: MedGen CN230736.
Arrhythmogenic right ventricular cardiomyopathy (ARVD). Also called: Arrhythmogenic Right Ventricular Cardiomyopathy (ARVC); Cardiomyopathy, ARVC; Arrhythmogenic right ventricular dysplasia; Arrhythmogenic cardiomyopathy. Identifiers: Orphanet 247, MedGen C0349788, MeSH D019571, MONDO:0016587. Disease mechanism: loss of function. Inheritance: Various modes of inheritance.
Cardiomyopathy (CMYO). Also called: Cardiomyopathies. Identifiers: Orphanet 167848, MedGen C0878544, MONDO:0004994, HP:0001638. Inheritance: Various modes of inheritance.
Arrhythmogenic right ventricular dysplasia 10. Also called: Arrhythmogenic right ventricular dysplasia/cardiomyopathy, type 10; Arrhythmogenic Right Ventricular Dysplasia/Cardiomyopathy10; ARRHYTHMOGENIC RIGHT VENTRICULAR DYSPLASIA, FAMILIAL, 10. Identifiers: MedGen C1857777, MONDO:0012434, OMIM 610193.

Allele frequency attached by ClinVar (database versions not stated): gnomAD exomes 0.00368 and 0.00526; ExAC 0.00323; ESP Exome Variant Server 0.00386; gnomAD 0.00429 and 0.00439; 1000 Genomes Project 30x 0.00312; 1000 Genomes Project 0.00319; TOPMed 0.00467.

Submissions (24):

CeGaT Center for Human Genetics Tuebingen
Classification: Likely benign. Last evaluated: 2026-09-01. Review status: criteria provided, single submitter. Criteria: CeGaT Center For Human Genetics Tuebingen Variant Classification Criteria Version 2. Collection method: clinical testing. Allele origin: germline. Affected: yes. Observed: 43 variant alleles.
Comment: DSG2: BP4, BS2

Labcorp Genetics (formerly Invitae), Labcorp
Classification: Benign for Arrhythmogenic right ventricular dysplasia 10. Last evaluated: 2026-02-03. Review status: criteria provided, single submitter. Criteria: Invitae Variant Classification Sherloc (09022015). Collection method: clinical testing. Allele origin: germline.

ARUP Laboratories, Molecular Genetics and Genomics, ARUP Laboratories
Classification: Benign. Last evaluated: 2025-07-08. Review status: criteria provided, single submitter. Criteria: ARUP Molecular Germline Variant Investigation Process 2024. Collection method: clinical testing. Allele origin: germline.

Blueprint Genetics
Classification: Likely benign. Last evaluated: 2024-11-25. Review status: criteria provided, single submitter. Criteria: ACMG Guidelines, 2015. Collection method: clinical testing. Allele origin: germline.

Mayo Clinic Laboratories, Mayo Clinic
Classification: Benign. Last evaluated: 2024-03-04. Review status: criteria provided, single submitter. Criteria: ACMG Guidelines, 2015. Collection method: clinical testing. Allele origin: germline. Observed: 11 variant alleles.
Comment: BS1, BS2, BP5

CHEO Genetics Diagnostic Laboratory, Children's Hospital of Eastern Ontario
Classification: Benign for Cardiomyopathy. Last evaluated: 2020-03-03. Review status: criteria provided, single submitter. Criteria: ACMG Guidelines, 2015. Collection method: clinical testing. Allele origin: germline.

Center for Advanced Laboratory Medicine, UC San Diego Health, University of California San Diego
Classification: Benign for Cardiomyopathy; Arrhythmogenic right ventricular cardiomyopathy. Last evaluated: 2018-05-02. Review status: criteria provided, single submitter. Criteria: ACMG Guidelines, 2015. Collection method: clinical testing. Allele origin: germline. Affected: yes. Observed: 2 variant alleles.

Color Diagnostics, LLC DBA Color Health
Classification: Benign for Cardiomyopathy. Last evaluated: 2018-04-08. Review status: criteria provided, single submitter. Criteria: ACMG Guidelines, 2015. Collection method: clinical testing. Allele origin: germline.

Illumina Laboratory Services, Illumina
Classification: Likely benign for Arrhythmogenic right ventricular dysplasia 10. Last evaluated: 2017-04-27. Review status: criteria provided, single submitter. Criteria: ICSL Variant Classification Criteria 13 December 2019. Collection method: clinical testing. Allele origin: germline.
Comment: This variant was observed as part of a predisposition screen in an ostensibly healthy population. A literature search was performed for the gene, cDNA change, and amino acid change (where applicable). No publications were found based on this search. Allele frequency data from public databases allowed determination this variant is unlikely to cause disease. Therefore, this variant is classified as likely benign.

Molecular Diagnostic Laboratory for Inherited Cardiovascular Disease, Montreal Heart Institute
Classification: Benign. Last evaluated: 2017-02-23. Review status: criteria provided, single submitter. Criteria: ACMG Guidelines, 2015. Collection method: clinical testing. Allele origin: germline. Affected: yes.

Ambry Genetics
Classification: Benign for Cardiovascular phenotype. Last evaluated: 2017-02-08. Review status: criteria provided, single submitter. Criteria: Ambry Variant Classification Scheme 2023. Collection method: clinical testing. Allele origin: germline.

Laboratory for Molecular Medicine, Mass General Brigham Personalized Medicine
Classification: Likely benign. Last evaluated: 2015-08-21. Review status: criteria provided, single submitter. Criteria: LMM Criteria. Collection method: clinical testing. Allele origin: germline. Observed: 26 variant alleles.
Comment: p.Val920Gly in exon 15 of DSG2: This variant has been reported in several indivi duals with ARVC or DCM but did not segregate with disease in one family member ( Syrris 2007, Posch 2008, Barahona-Dussault 2010, Christensen 2010). It has been identified in 0.5% (316/66608) of European chromosomes by the Exome Aggregation Consortium (ExAC; dbSNP rs142841727). This freq uency strongly argues against a disease causing role but is too low to establish this with confidence.

Stanford Center for Inherited Cardiovascular Disease, Stanford University
Classification: Uncertain significance. Last evaluated: 2015-06-24. Review status: criteria provided, single submitter. Criteria: ACMG Guidelines, 2015. Collection method: provider interpretation. Allele origin: germline.

Genomic Diagnostic Laboratory, Division of Genomic Diagnostics, Children's Hospital of Philadelphia
Classification: Benign for Arrhythmogenic right ventricular cardiomyopathy. Last evaluated: 2015-06-19. Review status: criteria provided, single submitter. Criteria: DGD Variant Analysis Guidelines. Collection method: clinical testing. Allele origin: unknown.

GeneDx
Classification: Benign. Last evaluated: 2015-05-08. Review status: criteria provided, single submitter. Criteria: GeneDx Variant Classification (06012015). Collection method: clinical testing. Allele origin: germline. Affected: yes.
Comment: This variant is considered likely benign or benign based on one or more of the following criteria: it is a conservative change, it occurs at a poorly conserved position in the protein, it is predicted to be benign by multiple in silico algorithms, and/or has population frequency not consistent with disease.

Eurofins Ntd Llc (ga)
Classification: Benign. Last evaluated: 2015-05-04. Review status: criteria provided, single submitter. Criteria: EGL Classification Definitions 2015. Collection method: clinical testing. Allele origin: germline. Observed: 2 variant alleles, 2 heterozygotes.

Biesecker Lab/Clinical Genomics Section, National Institutes of Health
Classification: Benign for Cardiomyopathy, arrhythmogenic right ventricular. Last evaluated: 2013-06-24. Review status: criteria provided, single submitter. Criteria: Ng et al. (Circ Cardiovasc Genet. 2013). Collection method: research. Allele origin: unknown. Observed: 10 variant alleles. Study: ClinSeq.
Comment: The study set was not selected for affection status in relation to any cancer. Pathogenicity categories were based on literature curation. See Pubmed ID:23861362 for details.

Medical sequencing

Breakthrough Genomics
Classification: Likely benign. Review status: criteria provided, single submitter. Criteria: ACMG Guidelines, 2015. Collection method: not provided. Allele origin: germline. Inheritance: Autosomal recessive inheritance. Affected: yes.

PreventionGenetics, part of Exact Sciences
Classification: Benign for DSG2-related condition. Last evaluated: 2019-09-30. Review status: no assertion criteria provided. Collection method: clinical testing. Allele origin: germline. Not counted in ClinVar's aggregate classification.
Comment: This variant is classified as benign based on ACMG/AMP sequence variant interpretation guidelines (Richards et al. 2015 PMID: 25741868, with internal and published modifications).

CSER _CC_NCGL, University of Washington
Classification: Uncertain significance for Cardiomyopathy, arrhythmogenic right ventricular. Last evaluated: 2014-06-01. Review status: no assertion criteria provided. Collection method: research. Allele origin: germline. Inheritance: Autosomal dominant inheritance. Study: ESP 6500 variant annotation. Not counted in ClinVar's aggregate classification.
Comment: Variants classified for the Actionable exomic incidental findings in 6503 participants: challenges of variant classification manuscript

Clinical Genetics DNA and cytogenetics Diagnostics Lab, Erasmus MC, Erasmus Medical Center
Classification: Benign. Review status: no assertion criteria provided. Collection method: clinical testing. Allele origin: germline. Affected: yes. Study: VKGL Data-share Consensus. Not counted in ClinVar's aggregate classification.

Clinical Genetics, Academic Medical Center
Classification: Benign. Review status: no assertion criteria provided. Collection method: clinical testing. Allele origin: germline. Affected: yes. Study: VKGL Data-share Consensus. Not counted in ClinVar's aggregate classification.

Diagnostic Laboratory, Department of Genetics, University Medical Center Groningen
Classification: Benign. Review status: no assertion criteria provided. Collection method: clinical testing. Allele origin: germline. Affected: yes. Study: VKGL Data-share Consensus. Not counted in ClinVar's aggregate classification.

Genome Diagnostics Laboratory, University Medical Center Utrecht
Classification: Likely benign. Review status: no assertion criteria provided. Collection method: clinical testing. Allele origin: germline. Affected: yes. Study: VKGL Data-share Consensus. Not counted in ClinVar's aggregate classification.

Literature cited by the submitters: PubMed 17105751 (cited by Mayo Clinic Laboratories, Mayo Clinic and Laboratory for Molecular Medicine, Mass General Brigham Personalized Medicine); PubMed 19039334 (cited by 3 submitters); PubMed 25087486 (cited by 3 submitters); PubMed 26332594 (cited by Mayo Clinic Laboratories, Mayo Clinic); PubMed 24503780 (cited by Ambry Genetics); PubMed 25172079 (cited by Ambry Genetics); PubMed 18382419 (cited by Laboratory for Molecular Medicine, Mass General Brigham Personalized Medicine); PubMed 18678517 (cited by Laboratory for Molecular Medicine, Mass General Brigham Personalized Medicine); PubMed 19863551 (cited by Laboratory for Molecular Medicine, Mass General Brigham Personalized Medicine); PubMed 20864495 (cited by Laboratory for Molecular Medicine, Mass General Brigham Personalized Medicine); PubMed 16025435 (cited by Laboratory for Molecular Medicine, Mass General Brigham Personalized Medicine); PubMed 23299917 (cited by Eurofins Ntd Llc (ga)).